The following is an entry in ClinVar:

NM_022114.4(PRDM16):c.3697-276G>A

Gene: PRDM16 (PR/SET domain 16; plus strand). Cytogenetic location: 1p36.32.
Variant type: single nucleotide variant.
Coding change: c.3697-276G>A on transcript NM_022114.4 (MANE Select); 276 bases into the intron before coding-DNA position 3697, G replaced by A.
Molecular consequence: intron variant.
Genome position (GRCh38, 1-based): chr1:3,433,401, G>A. VCF-style: chr1-3433401-G-A. GRCh37 (hg19) VCF-style: chr1-3349965-G-A.
Other names: c.3697-333G>A (NM_199454.3).
Identifiers: ClinVar variation 669431 (VCV000669431.1), dbSNP rs2483247, ClinGen allele CA16992616.
Genomic context (GRCh38, chr1:3,433,401, plus strand): 5'-CCCTGTGGCCCAGGGCAAGGTTGAGCCAGGCCAGGGCCACGGGAGGCTGGGAACGGACGA[G>A]GCTTGGCCCTGCTGGCCGGGGATGGCCTGTCCTGCCCACACACTCACCTGCCTGTCCAGG-3'

ClinVar aggregate classification (germline): Benign (1 of 4 stars; one submission).

Allele frequency attached by ClinVar (database versions not stated): 1000 Genomes Project 30x 0.11743; gnomAD 0.06119 and 0.06214; TOPMed 0.07386; 1000 Genomes Project 0.11542.
gnomAD v4.1: 9,384 of 152,298 alleles (6.2%); highest among the groups gnomAD compares: East Asian, 19%; 587 homozygotes.

Submission:

GeneDx
Classification: Benign. Last evaluated: 2018-06-14. Review status: criteria provided, single submitter. Criteria: GeneDx Variant Classification (06012015). Collection method: clinical testing. Allele origin: germline. Affected: yes.
Comment: This variant is considered likely benign or benign based on one or more of the following criteria: it is a conservative change, it occurs at a poorly conserved position in the protein, it is predicted to be benign by multiple in silico algorithms, and/or has population frequency not consistent with disease.